The following is an entry in ClinVar:

ClinVar aggregate classification (germline): Uncertain significance (1 of 4 stars; one submission).

Conditions:
Leukodystrophy, hypomyelinating, 7, with or without oligodontia and/or hypogonadotropic hypogonadism (HLD7). Also called: Ataxia, Delayed Dentition and Hypomyelination (ADDH); LEUKODYSTROPHY, HYPOMYELINATING, 7, WITH OLIGODONTIA; LEUKODYSTROPHY, HYPOMYELINATING, 7, WITH OLIGODONTIA AND HYPOGONADOTROPIC HYPOGONADISM; LEUKODYSTROPHY, HYPOMYELINATING, 7, WITHOUT OLIGODONTIA OR HYPOGONADOTROPIC HYPOGONADISM; LEUKOENCEPHALOPATHY, HYPOMYELINATING, WITH ATAXIA AND DELAYED DENTITION; ATAXIA, DELAYED DENTITION, AND HYPOMYELINATION. Identifiers: Orphanet 137639, Orphanet 447893, Orphanet 447896, Orphanet 77295, Orphanet 88637, MedGen CN034185, MONDO:0011897, OMIM 607694.

Submission:

Victorian Clinical Genetics Services, Murdoch Childrens Research Institute
Classification: Uncertain significance for Leukodystrophy, hypomyelinating, 7, with or without oligodontia and/or hypogonadotropic hypogonadism. Last evaluated: 2024-10-09. Review status: criteria provided, single submitter. Criteria: ACMG Guidelines, 2015. Collection method: clinical testing. Allele origin: germline. Inheritance: Autosomal dominant inheritance. Affected: yes.
Comment: Based on the classification scheme VCGS_Germline_v1.3.4, this variant is classified as VUS-3B. Following criteria are met: 0102 - Loss of function is a known mechanism of disease in this gene and is associated with hypomyelinating leukodystrophy 7, with or without oligodontia and/or hypogonadotropic hypogonadism (MIM# 607694), Wiedemann-Rautenstrauch syndrome (MIM#264090) and POLR3A-related spastic ataxia (PMID: 31637490). (I) 0106 - This gene is associated with autosomal recessive disease. (I) 0115 - Variants in this gene are known to have variable expressivity. Intrafamilial variability in individuals with a leukodystrophy phenotype have been reported (PMID: 21855841). (I) 0200 - Variant is predicted to result in a missense amino acid change from glutamine to arginine. (I) 0252 - This variant is homozygous. (I) 0301 - Variant is absent from gnomAD (both v2 and v3). (SP) 0309 - An alternative amino acid change at the same position has been observed in gnomAD (v2: 1 heterozygote, 0 homozygotes). (I) 0502 - Missense variant with conflicting in silico predictions and uninformative conservation. (I) 0600 - Variant is located in the annotated RNA_pol_Rpb1_1 domain (DECIPHER). (I) 0710 - Another missense variant comparable to the one identified in this case has inconclusive previous evidence for pathogenicity. p.(Gln31Glu) has been classified as a VUS by a diagnostic laboratory in ClinVar. (I) 0807 - This variant has no previous evidence of pathogenicity. (I) 0905 - No published segregation evidence has been identified for this variant. (I) 1007 - No published functional evidence has been identified for this variant. (I) Legend: (SP) - Supporting pathogenic, (I) - Information, (SB) - Supporting benign

Literature cited by the submitters: PubMed 21855841; PubMed 31637490.

NM_007055.4(POLR3A):c.92A>G (p.Gln31Arg)

Gene: POLR3A (RNA polymerase III subunit A; minus strand). Cytogenetic location: 10q22.3.
Variant type: single nucleotide variant.
Coding change: c.92A>G on transcript NM_007055.4 (MANE Select); coding-DNA position 92, A replaced by G.
Protein change: p.Gln31Arg; replaces glutamine 31 with arginine.
Molecular consequence: missense variant.
Genome position (GRCh38, 1-based): chr10:78,026,182, T>C on the plus strand (A>G on the coding strand, the complement: POLR3A is on the minus strand). VCF-style: chr10-78026182-T-C. GRCh37 (hg19) VCF-style: chr10-79785940-T-C.
Other names: short protein forms Q31R.
Identifiers: ClinVar variation 3377182 (VCV003377182.1).